The following is an entry in ClinVar:

ClinVar aggregate classification (germline): Uncertain significance (1 of 4 stars; one submission).

gnomAD v4.1: 1 of 1,613,924 alleles (0.000062%); highest among the groups gnomAD compares: Admixed American, 0.0017%; no homozygotes.

Submission:

Labcorp Genetics (formerly Invitae), Labcorp
Classification: Uncertain significance. Last evaluated: 2025-05-11. Review status: criteria provided, single submitter. Criteria: Invitae Variant Classification Sherloc (09022015). Collection method: clinical testing. Allele origin: germline.
Comment: This sequence change falls in intron 20 of the NALCN gene. It does not directly change the encoded amino acid sequence of the NALCN protein. It affects a nucleotide within the consensus splice site. This variant is present in population databases (no rsID available, gnomAD 0.003%). This variant has not been reported in the literature in individuals affected with NALCN-related conditions. ClinVar contains an entry for this variant (Variation ID: 3621724). Variants that disrupt the consensus splice site are a relatively common cause of aberrant splicing (PMID: 17576681, 9536098). Algorithms developed to predict the effect of sequence changes on RNA splicing suggest that this variant is not likely to affect RNA splicing. In summary, the available evidence is currently insufficient to determine the role of this variant in disease. Therefore, it has been classified as a Variant of Uncertain Significance.

Literature cited by the submitters: PubMed 17576681; PubMed 9536098.

NM_052867.4(NALCN):c.2364+3A>G

Gene: NALCN (sodium leak channel, non-selective; minus strand). Cytogenetic location: 13q33.1.
Variant type: single nucleotide variant.
Coding change: c.2364+3A>G on transcript NM_052867.4 (MANE Select); 3 bases into the intron after coding-DNA position 2364, A replaced by G.
Molecular consequence: intron variant.
Genome position (GRCh38, 1-based): chr13:101,110,616, T>C on the plus strand (A>G on the coding strand, the complement: NALCN is on the minus strand). VCF-style: chr13-101110616-T-C. GRCh37 (hg19) VCF-style: chr13-101762967-T-C.
Other names: c.2277+3A>G (NM_001350751.2, NM_001350750.2); c.2364+3A>G (NM_001350749.2); c.2451+3A>G (NM_001350748.2).
Identifiers: ClinVar variation 3621724 (VCV003621724.2).